The following is an entry in ClinVar:

NM_014845.6(FIG4):c.108T>G (p.Tyr36Ter)

Gene: FIG4 (FIG4 phosphoinositide 5-phosphatase; plus strand). Cytogenetic location: 6q21.
Variant type: single nucleotide variant.
Coding change: c.108T>G on transcript NM_014845.6 (MANE Select); coding-DNA position 108, T replaced by G.
Protein change: p.Tyr36Ter; replaces tyrosine 36 with a stop codon.
Molecular consequence: nonsense.
Genome position (GRCh38, 1-based): chr6:109,715,119, T>G. VCF-style: chr6-109715119-T-G. GRCh37 (hg19) VCF-style: chr6-110036322-T-G.
Other names: short protein forms Y36*.
Identifiers: ClinVar variation 4712197 (VCV004712197.1).
Genomic context (GRCh38, chr6:109,715,119, plus strand): 5'-CATTCCTTTTTATTTATAGAGATACTTTCTAGTTGGGAGCAATAATGCAGAAACGAAATA[T>G]CGTGTCTTGAAGATTGATAGAACAGAACCAAAAGATTTGGTCATAATTGATGACAGGGTA-3'

ClinVar aggregate classification (germline): Pathogenic (1 of 4 stars; one submission).

Conditions:
Charcot-Marie-Tooth disease type 4. Also called: Charcot-Marie-Tooth disease, type IV; Charcot-Marie-Tooth, Type 4. Identifiers: Orphanet 64749, MedGen C4082197, MONDO:0018995.

Submission:

Labcorp Genetics (formerly Invitae), Labcorp
Classification: Pathogenic for Charcot-Marie-Tooth disease type 4. Last evaluated: 2025-03-01. Review status: criteria provided, single submitter. Criteria: Invitae Variant Classification Sherloc (09022015). Collection method: clinical testing. Allele origin: germline.
Comment: This sequence change creates a premature translational stop signal (p.Tyr36*) in the FIG4 gene. It is expected to result in an absent or disrupted protein product. Loss-of-function variants in FIG4 are known to be pathogenic (PMID: 23623387, 30740813). This variant is not present in population databases (gnomAD no frequency). This variant has not been reported in the literature in individuals affected with FIG4-related conditions. For these reasons, this variant has been classified as Pathogenic.

Literature cited by the submitters: PubMed 23623387; PubMed 30740813.